The following is an entry in ClinVar:

NM_016247.4(IMPG2):c.3579G>A (p.Gly1193=)

Gene: IMPG2 (interphotoreceptor matrix proteoglycan 2; minus strand). Cytogenetic location: 3q12.3.
Variant type: single nucleotide variant.
Coding change: c.3579G>A on transcript NM_016247.4 (MANE Select); coding-DNA position 3579, G replaced by A.
Protein change: p.Gly1193=; no amino-acid change (glycine 1193 retained).
Molecular consequence: synonymous variant.
Genome position (GRCh38, 1-based): chr3:101,229,434, C>T on the plus strand (G>A on the coding strand, the complement: IMPG2 is on the minus strand). VCF-style: chr3-101229434-C-T. GRCh37 (hg19) VCF-style: chr3-100948278-C-T.
Other names: c.3579G>A (NM_016247.3).
Identifiers: ClinVar variation 1122671 (VCV001122671.11), dbSNP rs201595477, ClinGen allele CA2518720.
Genomic context (GRCh38, chr3:101,229,434, plus strand): 5'-TCCCACCTCTCTGGAAAGCTCACTGCTCTCATACATCTGTCTGATTTCTTCTCTGCTCAG[C>T]CCACCAATCACGTCTCCGCTAGCAGAGCTGTAGAAGGGATGCTGAGGATAGGGTCCCTCA-3'
Protein context (NP_057331.2, residues 1183-1203): YSSASGDVIG[Gly1193=]LSREEIRQMY

ClinVar aggregate classification (germline): Likely benign. Review status: criteria provided, multiple submitters, no conflicts (2 of 4 stars). 3 submissions from 3 submitters: Likely benign (3). Last evaluated 2025-11-03.

Conditions:
IMPG2-related disorder. Also called: IMPG2-related condition.

Allele frequency attached by ClinVar (database versions not stated): TOPMed 0.00005.
gnomAD v4.1: 92 of 1,612,568 alleles (0.0057%); highest among the groups gnomAD compares: Middle Eastern, 0.08%; no homozygotes.

Submissions (3):

PreventionGenetics, part of Exact Sciences
Classification: Likely benign for IMPG2-related condition. Last evaluated: 2025-11-03. Review status: criteria provided, single submitter. Criteria: ACMG Guidelines, 2015. Collection method: clinical testing. Allele origin: germline.
Comment: This variant is classified as likely benign based on ACMG/AMP sequence variant interpretation guidelines (Richards et al. 2015 PMID: 25741868, with internal and published modifications).

Labcorp Genetics (formerly Invitae), Labcorp
Classification: Likely benign. Last evaluated: 2025-10-03. Review status: criteria provided, single submitter. Criteria: Invitae Variant Classification Sherloc (09022015). Collection method: clinical testing. Allele origin: germline.

Blueprint Genetics
Classification: Likely benign. Last evaluated: 2024-11-11. Review status: criteria provided, single submitter. Criteria: ACMG Guidelines, 2015. Collection method: clinical testing. Allele origin: germline.